The following is an entry in ClinVar:

ClinVar aggregate classification (germline): Likely benign. Review status: criteria provided, multiple submitters, no conflicts (2 of 4 stars). 5 submissions from 5 submitters: Likely benign (5). Last evaluated 2025-12-09.

Conditions:
Cardiovascular phenotype. Identifiers: MedGen CN230736.
Cardiomyopathy (CMYO). Also called: Cardiomyopathies. Identifiers: Orphanet 167848, MedGen C0878544, MONDO:0004994, HP:0001638. Inheritance: Various modes of inheritance.
Arrhythmogenic right ventricular dysplasia 10. Also called: Arrhythmogenic Right Ventricular Dysplasia/Cardiomyopathy10; ARRHYTHMOGENIC RIGHT VENTRICULAR DYSPLASIA, FAMILIAL, 10; Arrhythmogenic right ventricular dysplasia/cardiomyopathy, type 10. Identifiers: MedGen C1857777, MONDO:0012434, OMIM 610193.
Arrhythmogenic right ventricular cardiomyopathy (ARVD). Also called: Arrhythmogenic cardiomyopathy; Cardiomyopathy, ARVC; Arrhythmogenic right ventricular dysplasia; Arrhythmogenic Right Ventricular Cardiomyopathy (ARVC). Identifiers: Orphanet 247, MedGen C0349788, MeSH D019571, MONDO:0016587. Disease mechanism: loss of function. Inheritance: Various modes of inheritance.

Allele frequency attached by ClinVar (database versions not stated): gnomAD 0.00001 and 0.00002; gnomAD exomes 0.00001; ExAC 0.00002; TOPMed 0.00002.
gnomAD v4.1: 17 of 1,612,612 alleles (0.0011%); highest among the groups gnomAD compares: South Asian, 0.0022%; no homozygotes.

Submissions (5):

Labcorp Genetics (formerly Invitae), Labcorp
Classification: Likely benign for Arrhythmogenic right ventricular dysplasia 10. Last evaluated: 2025-12-09. Review status: criteria provided, single submitter. Criteria: Invitae Variant Classification Sherloc (09022015). Collection method: clinical testing. Allele origin: germline.

Molecular Diagnostic Laboratory for Inherited Cardiovascular Disease, Montreal Heart Institute
Classification: Likely benign. Last evaluated: 2025-04-09. Review status: criteria provided, single submitter. Criteria: ACMG Guidelines, 2015. Collection method: clinical testing. Allele origin: germline. Affected: no.
Comment: BP6;BP7

All of Us Research Program, National Institutes of Health
Classification: Likely benign for Arrhythmogenic right ventricular cardiomyopathy. Last evaluated: 2023-11-20. Review status: criteria provided, single submitter. Criteria: ACMG Guidelines, 2015. Collection method: clinical testing. Allele origin: germline. Inheritance: Autosomal dominant inheritance. Observed: 5 variant alleles, 5 heterozygotes.
Comment: This study involves interpretation of variants in research participants for the purpose of population health screening. Participant phenotype was not available at the time of variant classification. Additional details can be found in publication PMID: 35346344, PMCID: PMC8962531

Ambry Genetics
Classification: Likely benign for Cardiovascular phenotype. Last evaluated: 2020-02-27. Review status: criteria provided, single submitter. Criteria: Ambry Variant Classification Scheme 2023. Collection method: clinical testing. Allele origin: germline.

Color Diagnostics, LLC DBA Color Health
Classification: Likely benign for Cardiomyopathy. Last evaluated: 2018-09-04. Review status: criteria provided, single submitter. Criteria: ACMG Guidelines, 2015. Collection method: clinical testing. Allele origin: germline.

NM_001943.5(DSG2):c.465C>T (p.Asn155=)

Gene: DSG2 (desmoglein 2; plus strand). Cytogenetic location: 18q12.1.
Variant type: single nucleotide variant.
Coding change: c.465C>T on transcript NM_001943.5 (MANE Select); coding-DNA position 465, C replaced by T.
Protein change: p.Asn155=; no amino-acid change (asparagine 155 retained).
Molecular consequence: synonymous variant.
Genome position (GRCh38, 1-based): chr18:31,521,185, C>T. VCF-style: chr18-31521185-C-T. GRCh37 (hg19) VCF-style: chr18-29101148-C-T.
Identifiers: ClinVar variation 629214 (VCV000629214.14), dbSNP rs751814575, ClinGen allele CA048977.